The following is an entry in ClinVar:

ClinVar aggregate classification (germline): Uncertain significance. Review status: criteria provided, single submitter (1 of 4 stars). 2 submissions from 2 submitters: Uncertain significance (1). 1 of the submissions does not count toward it. Last evaluated 2021-12-04.

Conditions:
Familial long QT syndrome (RWS). Also called: Congenital long QT syndrome; Romano-Ward syndrome; VENTRICULAR FIBRILLATION WITH PROLONGED QT INTERVAL. Identifiers: Orphanet 768, MedGen C1141890, MONDO:0019171.
Long QT syndrome (LQTS). Identifiers: MedGen C0023976, MeSH D008133, MONDO:0002442. Disease mechanism: loss of function. Inheritance: Various modes of inheritance.

Submissions (2):

Labcorp Genetics (formerly Invitae), Labcorp
Classification: Uncertain significance for Long QT syndrome. Last evaluated: 2021-12-04. Review status: criteria provided, single submitter. Criteria: Invitae Variant Classification Sherloc (09022015). Collection method: clinical testing. Allele origin: germline.
Comment: In summary, the available evidence is currently insufficient to determine the role of this variant in disease. Therefore, it has been classified as a Variant of Uncertain Significance. Experimental studies have shown that this missense change affects KCNH2 function (PMID: 19419905). Algorithms developed to predict the effect of missense changes on protein structure and function are either unavailable or do not agree on the potential impact of this missense change (SIFT: "Tolerated"; PolyPhen-2: "Probably Damaging"; Align-GVGD: "Class C0"). ClinVar contains an entry for this variant (Variation ID: 67272). This missense change has been observed in individual(s) with long QT syndrome (PMID: 18441445, 19419905). This variant is not present in population databases (gnomAD no frequency). This sequence change replaces lysine, which is basic and polar, with glutamic acid, which is acidic and polar, at codon 595 of the KCNH2 protein (p.Lys595Glu).

Cardiovascular Biomedical Research Unit, Royal Brompton & Harefield NHS Foundation Trust
No classification provided. Condition: Familial long QT syndrome. Review status: no classification provided. Collection method: literature only. Allele origin: germline. Not counted in ClinVar's aggregate classification.
Comment: This variant has been reported as associated with Long QT syndrome in the following publications (PMID:18441445;PMID:19419905). This is a literature report, and does not necessarily reflect the clinical interpretation of the Imperial College / Royal Brompton Cardiovascular Genetics laboratory.

Literature cited by the submitters: PubMed 19419905 (cited by Labcorp Genetics (formerly Invitae), Labcorp and Cardiovascular Biomedical Research Unit, Royal Brompton & Harefield NHS Foundation Trust); PubMed 18441445 (cited by Labcorp Genetics (formerly Invitae), Labcorp and Cardiovascular Biomedical Research Unit, Royal Brompton & Harefield NHS Foundation Trust); PubMed 22581653 (cited by Cardiovascular Biomedical Research Unit, Royal Brompton & Harefield NHS Foundation Trust).

NM_000238.4(KCNH2):c.1783A>G (p.Lys595Glu)

Gene: KCNH2 (potassium voltage-gated channel subfamily H member 2; minus strand). Cytogenetic location: 7q36.1.
Variant type: single nucleotide variant.
Coding change: c.1783A>G on transcript NM_000238.4 (MANE Select); coding-DNA position 1783, A replaced by G.
Protein change: p.Lys595Glu; replaces lysine 595 with glutamic acid.
Molecular consequence: missense variant.
Genome position (GRCh38, 1-based): chr7:150,951,610, T>C on the plus strand (A>G on the coding strand, the complement: KCNH2 is on the minus strand). VCF-style: chr7-150951610-T-C. GRCh37 (hg19) VCF-style: chr7-150648698-T-C.
Other names: c.1783A>G (LRG_288t1); c.763A>G, p.Lys255Glu (NM_001204798.2, NM_172057.3); c.1495A>G, p.Lys499Glu (NM_001406753.1, NM_001406756.1); c.1606A>G, p.Lys536Glu (NM_001406755.1); c.1483A>G, p.Lys495Glu (NM_001406757.1); c.1783A>G, p.Lys595Glu (NM_172056.3); short protein forms K255E, K595E, K495E, K499E, K536E.
Identifiers: ClinVar variation 67272 (VCV000067272.7), dbSNP rs199472932, ClinGen allele CA005473.
Genomic context (GRCh38, chr7:150,951,610, plus strand): 5'-GCGCCGTCACATACTTGTCCTTGATGGAGGGGCCGCCCAGGCCGCTGCTGTTGTAGGGTT[T>C]GCCTATCTGGTCGCCCAGGTTGTGCAGCCAGCCGATGCGTGAGTCCATGTGTGGCTGCTC-3'
Protein context (NP_000229.1, residues 585-605): WLHNLGDQIG[Lys595Glu]PYNSSGLGGP